The following is an entry in ClinVar:

ClinVar aggregate classification (germline): Pathogenic/Likely pathogenic. Review status: criteria provided, multiple submitters, no conflicts (2 of 4 stars). 3 submissions from 3 submitters: Pathogenic (2); Likely pathogenic (1). Last evaluated 2026-06-23.

Conditions:
Hereditary cancer-predisposing syndrome. Also called: Hereditary Cancer Syndrome; Neoplastic Syndromes, Hereditary; Hereditary neoplastic syndrome; Tumor predisposition. Identifiers: Orphanet 140162, MedGen C0027672, MeSH D009386, MONDO:0015356.
BAP1-related tumor predisposition syndrome (TPDS1). Also called: BAP1 tumor predisposition syndrome; Tumor susceptibility linked to germline BAP1 mutations; COMMON Syndrome; TUMOR PREDISPOSITION SYNDROME 1. Identifiers: Orphanet 289539, MedGen C3280492, MONDO:0013692, OMIM 614327.

Submissions (3):

Ambry Genetics
Classification: Pathogenic for Hereditary cancer-predisposing syndrome. Last evaluated: 2026-06-23. Review status: criteria provided, single submitter. Criteria: Ambry Variant Classification Scheme 2023. Collection method: clinical testing. Allele origin: germline.
Comment: The p.W202R variant (also known as c.604T>C), located in coding exon 8 of the BAP1 gene, results from a T to C substitution at nucleotide position 604. The tryptophan at codon 202 is replaced by arginine, an amino acid with dissimilar properties. This variant has been reported in individuals with features consistent with BAP1-related tumor predisposition syndrome (Kittaneh M et al. J Transl Med, 2018 Jul;16:194; Idkedek M et al. Front Surg, 2022 Mar;9:819596; Ambry internal data). This alteration was non-functional in a high throughput genome editing haploid cell survival functional assay (Waters AJ et al. Nat Genet, 2024 Jul;56:1434-1445). This amino acid position is highly conserved in available vertebrate species. In addition, this alteration is predicted to be deleterious by in silico analysis. This variant is considered to be rare based on population cohorts in the Genome Aggregation Database (gnomAD). Based on the supporting evidence, this variant is interpreted as a disease-causing mutation.

Labcorp Genetics (formerly Invitae), Labcorp
Classification: Pathogenic for BAP1-related tumor predisposition syndrome. Last evaluated: 2024-06-13. Review status: criteria provided, single submitter. Criteria: Invitae Variant Classification Sherloc (09022015). Collection method: clinical testing. Allele origin: germline.
Comment: This sequence change replaces tryptophan, which is neutral and slightly polar, with arginine, which is basic and polar, at codon 202 of the BAP1 protein (p.Trp202Arg). This variant is not present in population databases (gnomAD no frequency). This missense change has been observed in individuals with BAP1-associated conditions (PMID: 30001711; Invitae). It has also been observed to segregate with disease in related individuals. ClinVar contains an entry for this variant (Variation ID: 1399300). Advanced modeling of protein sequence and biophysical properties (such as structural, functional, and spatial information, amino acid conservation, physicochemical variation, residue mobility, and thermodynamic stability) has been performed at Invitae for this missense variant, however the output from this modeling did not meet the statistical confidence thresholds required to predict the impact of this variant on BAP1 protein function. This variant disrupts the p.Trp202 amino acid residue in BAP1. Other variant(s) that disrupt this residue have been observed in individuals with BAP1-related conditions (PMID: 26554828; Invitae), which suggests that this may be a clinically significant amino acid residue. For these reasons, this variant has been classified as Pathogenic.

Molecular Pathology, Peter Maccallum Cancer Centre
Classification: Likely pathogenic for BAP1-related tumor predisposition syndrome. Last evaluated: 2024-04-17. Review status: criteria provided, single submitter. Criteria: ACMG Guidelines, 2015. Collection method: clinical testing. Allele origin: germline. Inheritance: Autosomal dominant inheritance.

Literature cited by the submitters: PubMed 30001711 (cited by Ambry Genetics and Labcorp Genetics (formerly Invitae), Labcorp); PubMed 35360426 (cited by Ambry Genetics); PubMed 38969833 (cited by Ambry Genetics); PubMed 26554828 (cited by Labcorp Genetics (formerly Invitae), Labcorp).

NM_004656.4(BAP1):c.604T>C (p.Trp202Arg)

Gene: BAP1 (BRCA1 associated deubiquitinase 1; minus strand). Cytogenetic location: 3p21.1.
Variant type: single nucleotide variant.
Coding change: c.604T>C on transcript NM_004656.4 (MANE Select); coding-DNA position 604, T replaced by C.
Protein change: p.Trp202Arg; replaces tryptophan 202 with arginine.
Molecular consequence: missense variant.
Genome position (GRCh38, 1-based): chr3:52,406,884, A>G on the plus strand (T>C on the coding strand, the complement: BAP1 is on the minus strand). VCF-style: chr3-52406884-A-G. GRCh37 (hg19) VCF-style: chr3-52440900-A-G.
Other names: c.604T>C (NM_004656.3, NM_004656.2); short protein forms W202R.
Identifiers: ClinVar variation 1399300 (VCV001399300.9), dbSNP rs2153227653, ClinGen allele CA353109075.